The following is an entry in ClinVar:

NM_006739.4(MCM5):c.2064G>C (p.Gln688His)

Gene: MCM5 (minichromosome maintenance complex component 5; plus strand). Cytogenetic location: 22q12.3.
Variant type: single nucleotide variant.
Coding change: c.2064G>C on transcript NM_006739.4 (MANE Select); coding-DNA position 2064, G replaced by C.
Protein change: p.Gln688His; replaces glutamine 688 with histidine.
Molecular consequence: missense variant.
Genome position (GRCh38, 1-based): chr22:35,423,302, G>C. VCF-style: chr22-35423302-G-C. GRCh37 (hg19) VCF-style: chr22-35819295-G-C.
Other names: short protein forms Q688H.
Identifiers: ClinVar variation 4696985 (VCV004696985.1).
Genomic context (GRCh38, chr22:35,423,302, plus strand): 5'-CCAGGAGATGCTGAGCCGCATCGAGAAGCAGCTCAAGCGCCGCTTTGCCATTGGCTCCCA[G>C]GTGTCTGAGCACAGCATCATCAAGGACTTCACCAAGCAGGTGAGCCTGCCTTGGAGTGGG-3'
Protein context (NP_006730.2, residues 678-698): QLKRRFAIGS[Gln688His]VSEHSIIKDF

ClinVar aggregate classification (germline): Uncertain significance (1 of 4 stars; one submission).

Submission:

Labcorp Genetics (formerly Invitae), Labcorp
Classification: Uncertain significance. Last evaluated: 2025-03-30. Review status: criteria provided, single submitter. Criteria: Invitae Variant Classification Sherloc (09022015). Collection method: clinical testing. Allele origin: germline.
Comment: This sequence change replaces glutamine, which is neutral and polar, with histidine, which is basic and polar, at codon 688 of the MCM5 protein (p.Gln688His). This variant is not present in population databases (gnomAD no frequency). This variant has not been reported in the literature in individuals affected with MCM5-related conditions. An algorithm developed to predict the effect of missense changes on protein structure and function (PolyPhen-2) suggests that this variant is likely to be tolerated. In summary, the available evidence is currently insufficient to determine the role of this variant in disease. Therefore, it has been classified as a Variant of Uncertain Significance.